The following is an entry in ClinVar:

ClinVar aggregate classification (germline): Uncertain significance. Review status: criteria provided, multiple submitters, no conflicts (2 of 4 stars). 2 submissions from 2 submitters: Uncertain significance (2). Last evaluated 2026-06-02.

Conditions:
Hereditary cancer-predisposing syndrome. Also called: Tumor predisposition; Neoplastic Syndromes, Hereditary; Hereditary neoplastic syndrome; Hereditary Cancer Syndrome. Identifiers: Orphanet 140162, MedGen C0027672, MeSH D009386, MONDO:0015356.
Bloom syndrome (BLM). Also called: Bloom-Torre-Machacek syndrome. Identifiers: Orphanet 125, MedGen C0005859, MONDO:0008876, OMIM 210900.

gnomAD v4.1: 6 of 1,611,000 alleles (0.00037%); highest among the groups gnomAD compares: African/African-American, 0.0013%; no homozygotes.

Submissions (2):

Ambry Genetics
Classification: Uncertain significance for Hereditary cancer-predisposing syndrome. Last evaluated: 2026-06-02. Review status: criteria provided, single submitter. Criteria: Ambry Variant Classification Scheme 2023. Collection method: clinical testing. Allele origin: germline.
Comment: The p.Q369H variant (also known as c.1107G>T), located in coding exon 5 of the BLM gene, results from a G to T substitution at nucleotide position 1107. The glutamine at codon 369 is replaced by histidine, an amino acid with highly similar properties. This amino acid position is conserved. In addition, this alteration is predicted to be tolerated by in silico analysis. Based on the available evidence, the clinical significance of this variant remains unclear.

Labcorp Genetics (formerly Invitae), Labcorp
Classification: Uncertain significance for Bloom syndrome. Last evaluated: 2019-12-30. Review status: criteria provided, single submitter. Criteria: Invitae Variant Classification Sherloc (09022015). Collection method: clinical testing. Allele origin: germline.
Comment: This sequence change replaces glutamine with histidine at codon 369 of the BLM protein (p.Gln369His). The glutamine residue is weakly conserved and there is a small physicochemical difference between glutamine and histidine. This variant is not present in population databases (ExAC no frequency). This variant has not been reported in the literature in individuals with BLM-related conditions. Algorithms developed to predict the effect of missense changes on protein structure and function are either unavailable or do not agree on the potential impact of this missense change (SIFT: "Deleterious"; PolyPhen-2: "Possibly Damaging"; Align-GVGD: "Class C0"). In summary, the available evidence is currently insufficient to determine the role of this variant in disease. Therefore, it has been classified as a Variant of Uncertain Significance.

NM_000057.4(BLM):c.1107G>T (p.Gln369His)

Gene: BLM (BLM RecQ like helicase; plus strand). Cytogenetic location: 15q26.1.
Variant type: single nucleotide variant.
Coding change: c.1107G>T on transcript NM_000057.4 (MANE Select); coding-DNA position 1107, G replaced by T.
Protein change: p.Gln369His; replaces glutamine 369 with histidine.
Molecular consequence: missense variant. On other transcripts: 5 prime UTR variant (1).
Genome position (GRCh38, 1-based): chr15:90,760,166, G>T. VCF-style: chr15-90760166-G-T. GRCh37 (hg19) VCF-style: chr15-91303396-G-T.
Other names: c.1107G>T (NM_000057.2); c.1107G>T, p.Gln369His (NM_001287246.2, NM_001287247.2); c.-19G>T (NM_001287248.2); short protein forms Q369H.
Identifiers: ClinVar variation 838729 (VCV000838729.2), dbSNP rs1895931307, ClinGen allele CA393842323.